The following is an entry in ClinVar:

NM_002691.4(POLD1):c.929T>C (p.Leu310Ser)

Gene: POLD1 (DNA polymerase delta 1, catalytic subunit; plus strand). Cytogenetic location: 19q13.33.
Variant type: single nucleotide variant.
Coding change: c.929T>C on transcript NM_002691.4 (MANE Select); coding-DNA position 929, T replaced by C.
Protein change: p.Leu310Ser; replaces leucine 310 with serine.
Molecular consequence: missense variant. On other transcripts: non-coding transcript variant (1).
Genome position (GRCh38, 1-based): chr19:50,402,700, T>C. VCF-style: chr19-50402700-T-C. GRCh37 (hg19) VCF-style: chr19-50905957-T-C.
Other names: c.929T>C, p.Leu310Ser (NM_001256849.1, NM_001308632.1); short protein forms L310S.
Identifiers: ClinVar variation 1374108 (VCV001374108.6), dbSNP rs2122259194, ClinGen allele CA406977202.

ClinVar aggregate classification (germline): Uncertain significance (1 of 4 stars; one submission).

Conditions:
POLD1-related polyposis and colorectal cancer syndrome (CRCS10). Also called: Colorectal cancer, susceptibility to, 10; Colorectal cancer 10; COLORECTAL CANCER, SUSCEPTIBILITY TO, ON CHROMOSOME 19q. Identifiers: Orphanet 220460, MedGen C2675481, MONDO:0012953, OMIM 612591.

Submission:

Labcorp Genetics (formerly Invitae), Labcorp
Classification: Uncertain significance for POLD1-related polyposis and colorectal cancer syndrome. Last evaluated: 2022-05-01. Review status: criteria provided, single submitter. Criteria: Invitae Variant Classification Sherloc (09022015). Collection method: clinical testing. Allele origin: germline.
Comment: In summary, the available evidence is currently insufficient to determine the role of this variant in disease. Therefore, it has been classified as a Variant of Uncertain Significance. Algorithms developed to predict the effect of missense changes on protein structure and function are either unavailable or do not agree on the potential impact of this missense change (SIFT: "Deleterious"; PolyPhen-2: "Possibly Damaging"; Align-GVGD: "Class C0"). This variant has not been reported in the literature in individuals affected with POLD1-related conditions. This variant is not present in population databases (gnomAD no frequency). This sequence change replaces leucine, which is neutral and non-polar, with serine, which is neutral and polar, at codon 310 of the POLD1 protein (p.Leu310Ser).